The following is an entry in ClinVar:

ClinVar aggregate classification (germline): Uncertain significance. Review status: criteria provided, multiple submitters, no conflicts (2 of 4 stars). 2 submissions from 2 submitters: Uncertain significance (2). Last evaluated 2025-11-13.

Conditions:
Inborn genetic diseases. Identifiers: MedGen C0950123, MeSH D030342.

Allele frequency attached by ClinVar (database versions not stated): gnomAD exomes 0.00001 and 0.00002; ExAC 0.00001; TOPMed 0.00001.

Submissions (2):

Ambry Genetics
Classification: Uncertain significance for Inborn genetic diseases. Last evaluated: 2025-11-13. Review status: criteria provided, single submitter. Criteria: Ambry Variant Classification Scheme 2023. Collection method: clinical testing. Allele origin: germline.

GeneDx
Classification: Uncertain significance. Last evaluated: 2020-10-28. Review status: criteria provided, single submitter. Criteria: GeneDx Variant Classification Process June 2021. Collection method: clinical testing. Allele origin: germline. Affected: yes.
Comment: In silico analysis supports that this missense variant has a deleterious effect on protein structure/function; Has not been previously published as pathogenic or benign to our knowledge

NM_001371623.1(TCOF1):c.1901C>T (p.Pro634Leu)

Gene: TCOF1 (treacle ribosome biogenesis factor 1; plus strand). Cytogenetic location: 5q32.
Variant type: single nucleotide variant.
Coding change: c.1901C>T on transcript NM_001371623.1 (MANE Select); coding-DNA position 1901, C replaced by T.
Protein change: p.Pro634Leu; replaces proline 634 with leucine.
Molecular consequence: missense variant.
Genome position (GRCh38, 1-based): chr5:150,376,089, C>T. VCF-style: chr5-150376089-C-T. GRCh37 (hg19) VCF-style: chr5-149755652-C-T.
Other names: c.1670C>T, p.Pro557Leu (NM_000356.4, NM_001135245.2); c.1901C>T, p.Pro634Leu (NM_001008657.3, NM_001135243.2, NM_001135244.2 and 1 more transcripts); short protein forms P557L, P634L.
Identifiers: ClinVar variation 1313419 (VCV001313419.3), dbSNP rs758149660, ClinGen allele CA3511051.